The following is an entry in ClinVar:

NM_005050.4(ABCD4):c.1102G>A (p.Glu368Lys)

Gene: ABCD4 (ATP binding cassette subfamily D member 4; minus strand). Cytogenetic location: 14q24.3.
Variant type: single nucleotide variant.
Coding change: c.1102G>A on transcript NM_005050.4 (MANE Select); coding-DNA position 1102, G replaced by A.
Protein change: p.Glu368Lys; replaces glutamic acid 368 with lysine.
Molecular consequence: missense variant. On other transcripts: non-coding transcript variant (10).
Genome position (GRCh38, 1-based): chr14:74,292,303, C>T on the plus strand (G>A on the coding strand, the complement: ABCD4 is on the minus strand). VCF-style: chr14-74292303-C-T. GRCh37 (hg19) VCF-style: chr14-74759006-C-T.
Other names: c.976G>A, p.Glu326Lys (NM_001353591.2, NM_001353592.2); c.841G>A, p.Glu281Lys (NM_001353593.2); c.790G>A, p.Glu264Lys (NM_001353594.2); c.688G>A, p.Glu230Lys (NM_001353595.2, NM_001353596.2); c.637G>A, p.Glu213Lys (NM_001353597.2); c.625G>A, p.Glu209Lys (NM_001353598.2, NM_001353599.2, NM_001353600.2 and 2 more transcripts); c.313G>A, p.Glu105Lys (NM_001353602.2, NM_001353603.2, NM_001353604.2 and 6 more transcripts); c.1102G>A, p.Glu368Lys (NM_020325.3); short protein forms E368K, E213K, E264K, E105K, E281K, E230K, E326K, E209K.
Identifiers: ClinVar variation 259619 (VCV000259619.17), dbSNP rs3742801, ClinGen allele CA7266933.

ClinVar aggregate classification (germline): Benign/Likely benign. Review status: criteria provided, multiple submitters, no conflicts (2 of 4 stars). 8 submissions from 8 submitters: Benign (5); Likely benign (3). Last evaluated 2026-02-04.

Conditions:
Methylmalonic acidemia with homocystinuria, type cblJ (MAHCJ). Also called: METHYLMALONIC ACIDURIA AND HOMOCYSTINURIA, cblJ TYPE. Identifiers: Orphanet 369955, MedGen C3553915, MONDO:0013925, OMIM 614857.

Allele frequency attached by ClinVar (database versions not stated): 1000 Genomes Project 30x 0.26624; 1000 Genomes Project 0.27037; TOPMed 0.30000; gnomAD 0.30506 and 0.30666; ESP Exome Variant Server 0.30724; gnomAD exomes 0.32689 and 0.35241; ExAC 0.32759.
gnomAD v4.1: 562,383 of 1,613,546 alleles (35%); highest among the groups gnomAD compares: Middle Eastern, 53%; 101,224 homozygotes.

Submissions (8):

Labcorp Genetics (formerly Invitae), Labcorp
Classification: Benign for Methylmalonic acidemia with homocystinuria, type cblJ. Last evaluated: 2026-02-04. Review status: criteria provided, single submitter. Criteria: Invitae Variant Classification Sherloc (09022015). Collection method: clinical testing. Allele origin: germline.

Mayo Clinic Laboratories, Mayo Clinic
Classification: Likely benign. Last evaluated: 2025-08-20. Review status: criteria provided, single submitter. Criteria: ACMG Guidelines, 2015. Collection method: clinical testing. Allele origin: germline. Observed: 64 variant alleles.
Comment: BA1, BS2

Blueprint Genetics
Classification: Benign. Last evaluated: 2024-11-27. Review status: criteria provided, single submitter. Criteria: ACMG Guidelines, 2015. Collection method: clinical testing. Allele origin: germline.

Women's Health and Genetics/Laboratory Corporation of America, LabCorp
Classification: Likely benign. Last evaluated: 2021-12-03. Review status: criteria provided, single submitter. Criteria: LabCorp Variant Classification Summary - May 2015. Collection method: clinical testing. Allele origin: germline.

Genome-Nilou Lab
Classification: Benign for Methylmalonic acidemia with homocystinuria, type cblJ. Last evaluated: 2021-07-14. Review status: criteria provided, single submitter. Criteria: ACMG Guidelines, 2015. Collection method: clinical testing. Allele origin: germline. Affected: no.

GeneDx
Classification: Benign. Last evaluated: 2015-12-02. Review status: criteria provided, single submitter. Criteria: GeneDx Variant Classification (06012015). Collection method: clinical testing. Allele origin: germline. Affected: yes.
Comment: This variant is considered likely benign or benign based on one or more of the following criteria: it is a conservative change, it occurs at a poorly conserved position in the protein, it is predicted to be benign by multiple in silico algorithms, and/or has population frequency not consistent with disease.

Breakthrough Genomics
Classification: Likely benign. Review status: criteria provided, single submitter. Criteria: ACMG Guidelines, 2015. Collection method: not provided. Allele origin: germline. Inheritance: Autosomal recessive inheritance. Affected: yes.

PreventionGenetics, part of Exact Sciences
Classification: Benign. Review status: criteria provided, single submitter. Criteria: ACMG Guidelines, 2015. Collection method: clinical testing. Allele origin: germline.

Literature cited by the submitters: PubMed 23754956 (cited by Mayo Clinic Laboratories, Mayo Clinic).